The following is an entry in ClinVar:

NM_000038.6(APC):c.7210A>T (p.Met2404Leu)

Gene: APC (APC regulator of Wnt signaling pathway; plus strand). Cytogenetic location: 5q22.2.
Variant type: single nucleotide variant.
Coding change: c.7210A>T on transcript NM_000038.6 (MANE Select); coding-DNA position 7210, A replaced by T.
Protein change: p.Met2404Leu; replaces methionine 2404 with leucine.
Molecular consequence: missense variant. On other transcripts: non-coding transcript variant (2).
Genome position (GRCh38, 1-based): chr5:112,842,804, A>T. VCF-style: chr5-112842804-A-T. GRCh37 (hg19) VCF-style: chr5-112178501-A-T.
Other names: c.7210A>T, p.Met2404Leu (NM_001354895.2, NM_001127510.3, NM_001407450.1); c.7264A>T, p.Met2422Leu (NM_001354896.2, NM_001407447.1, NM_001407448.1 and 1 more transcripts); c.7240A>T, p.Met2414Leu (NM_001354897.2); c.7135A>T, p.Met2379Leu (NM_001354898.2); c.7126A>T, p.Met2376Leu (NM_001354899.2); c.7087A>T, p.Met2363Leu (NM_001354900.2); c.7033A>T, p.Met2345Leu (NM_001354901.2, NM_001407453.1); c.6937A>T, p.Met2313Leu (NM_001354902.2); and 11 more; short protein forms M2020L, M2121L, M2244L, M2275L, M2278L, M2303L, M2313L, M2321L.
Identifiers: ClinVar variation 4801516 (VCV004801516.1).

ClinVar aggregate classification (germline): Uncertain significance (1 of 4 stars; one submission).

Conditions:
Familial adenomatous polyposis 1 (FAP1). Also called: FAMILIAL ADENOMATOUS POLYPOSIS 1, ATTENUATED; POLYPOSIS, ADENOMATOUS INTESTINAL. Identifiers: MedGen C2713442, MONDO:0021056, OMIM 175100. Disease mechanism: loss of function.

Submission:

Labcorp Genetics (formerly Invitae), Labcorp
Classification: Uncertain significance for Familial adenomatous polyposis 1. Last evaluated: 2025-10-06. Review status: criteria provided, single submitter. Criteria: Invitae Variant Classification Sherloc (09022015). Collection method: clinical testing. Allele origin: germline.
Comment: This sequence change replaces methionine, which is neutral and non-polar, with leucine, which is neutral and non-polar, at codon 2404 of the APC protein (p.Met2404Leu). This variant is not present in population databases (gnomAD no frequency). This variant has not been reported in the literature in individuals affected with APC-related conditions. Invitae Evidence Modeling of protein sequence and biophysical properties (such as structural, functional, and spatial information, amino acid conservation, physicochemical variation, residue mobility, and thermodynamic stability) indicates that this missense variant is not expected to disrupt APC protein function with a negative predictive value of 95%. In summary, the available evidence is currently insufficient to determine the role of this variant in disease. Therefore, it has been classified as a Variant of Uncertain Significance.